The following is an entry in ClinVar:

NM_001099857.5(IKBKG):c.636_659del (p.Leu213_Ala220del)

Gene: IKBKG (inhibitor of nuclear factor kappa B kinase regulatory subunit gamma; plus strand). Cytogenetic location: Xq28.
Variant type: Deletion.
Coding change: c.636_659del on transcript NM_001099857.5 (MANE Select); coding-DNA positions 636 to 659, 24 bases deleted (GCTCCGCATGGAGCGCCAGGCCGC).
Protein change: p.Leu213_Ala220del.
Molecular consequence: inframe deletion. On other transcripts: inframe indel (1), intron variant (3).
Genome position (GRCh38, 1-based): chrX:154,560,524-154,560,547, GCTCCGCATGGAGCGCCAGGCCGC deleted; deleting any 24 consecutive bases within chrX:154,560,517-154,560,547 gives the same sequence; the c. name uses the placement nearest the transcript's 3' end. VCF-style (leftmost placement, unchanged base first): chrX-154560516-GAGGCCGCGCTCCGCATGGAGCGCC-G. GRCh37 (hg19) VCF-style: chrX-153788731-GAGGCCGCGCTCCGCATGGAGCGCC-G.
Other names: c.633_656del, p.Leu212_Ala219del (NM_001377313.1, NM_001321397.3); c.636_659del24, p.Leu213_Ala220del (NM_003639.3); c.636_659del, p.Leu213_Ala220del (NM_003639.4, NM_001321396.3, NM_001377312.1); c.519-1164_519-1141del (NM_001145255.4); c.516-1164_516-1141del (NM_001377314.1); c.400-2286_400-2263del (NM_001377315.1); c.840_863del, p.Leu281_Ala288del (NM_001099856.6).
Identifiers: ClinVar variation 1806818 (VCV001806818.1), dbSNP rs2523375507, ClinGen allele CA2580101759.
Genomic context (GRCh38, chrX:154,560,516, plus strand): 5'-GCGCTGCAGCAGCAGCACAGCGTGCAGGTGGACCAGCTGCGCATGCAGGGCCAGAGCGTG[GAGGCCGCGCTCCGCATGGAGCGCC>G]AGGCCGCCTCGGAGGAGAAGTGAGTCAGCGGGGGCGGGGCCGCACCGCAGGGTCTGTGGT-3'

ClinVar aggregate classification (germline): Likely pathogenic (1 of 4 stars; one submission).

Submission:

GeneDx
Classification: Likely pathogenic. Last evaluated: 2022-12-23. Review status: criteria provided, single submitter. Criteria: GeneDx Variant Classification Process June 2021. Collection method: clinical testing. Allele origin: germline. Affected: yes.
Comment: In-frame deletion of 8 amino acids in a non-repeat region; In silico analysis supports a deleterious effect on protein structure/function; Has not been previously published as pathogenic or benign to our knowledge